The following is an entry in ClinVar:

ClinVar aggregate classification (germline): Uncertain significance (1 of 4 stars; one submission).

Submission:

GeneDx
Classification: Uncertain significance. Last evaluated: 2014-08-25. Review status: criteria provided, single submitter. Criteria: GeneDx Variant Classification (06012015). Collection method: clinical testing. Allele origin: germline. Affected: yes.
Comment: This variant is denoted APC c.7214A>G at the cDNA level, p.Asn2405Ser (N2405S) at the protein level, and results in the change of an Asparagine to a Serine (AAT>AGT). This variant has not, to our knowledge, been published in the literature as pathogenic or benign. APC Asn2405Ser was not observed in approximately 6,500 individuals of European and African American ancestry in the NHLBI Exome Sequencing Project, indicating it is not a common benign variant in these populations. Since Asparagine and Serine share similar properties, this is considered a conservative amino acid substitution. APC Asn2405Ser occurs at a position that is poorly conserved across species and is not located within a known functional domain (Azzopardi 2008). In silico analyses predict that this variant is unlikely to alter protein structure or function. Based on currently available information, it is unclear whether APC Asn2405Ser is pathogenic or benign. We consider it to be a variant of uncertain significance.

NM_000038.6(APC):c.7214A>G (p.Asn2405Ser)

Gene: APC (APC regulator of WNT signaling pathway; plus strand). Cytogenetic location: 5q22.2.
Variant type: single nucleotide variant.
Coding change: c.7214A>G on transcript NM_000038.6 (MANE Select); coding-DNA position 7214, A replaced by G.
Protein change: p.Asn2405Ser; replaces asparagine 2405 with serine.
Molecular consequence: missense variant.
Genome position (GRCh38, 1-based): chr5:112,842,808, A>G. VCF-style: chr5-112842808-A-G. GRCh37 (hg19) VCF-style: chr5-112178505-A-G.
Other names: p.N2405S:AAT>AGT; c.7214A>G, p.Asn2405Ser (NM_001127510.3, NM_001354895.2); c.7160A>G, p.Asn2387Ser (NM_001127511.3); c.7268A>G, p.Asn2423Ser (NM_001354896.2); c.7244A>G, p.Asn2415Ser (NM_001354897.2); c.7139A>G, p.Asn2380Ser (NM_001354898.2); c.7130A>G, p.Asn2377Ser (NM_001354899.2); c.7091A>G, p.Asn2364Ser (NM_001354900.2); and 6 more; short protein forms N2387S, N2405S, N2364S, N2415S, N2245S, N2279S, N2314S, N2377S.
Identifiers: ClinVar variation 181817 (VCV000181817.2), dbSNP rs730881258, ClinGen allele CA012942.